The following is an entry in ClinVar:

NM_015215.4(CAMTA1):c.1057G>A (p.Asp353Asn)

Gene: CAMTA1 (calmodulin binding transcription activator 1; plus strand). Cytogenetic location: 1p36.23.
Variant type: single nucleotide variant.
Coding change: c.1057G>A on transcript NM_015215.4 (MANE Select); coding-DNA position 1057, G replaced by A.
Protein change: p.Asp353Asn; replaces aspartic acid 353 with asparagine.
Molecular consequence: missense variant.
Genome position (GRCh38, 1-based): chr1:7,663,604, G>A. VCF-style: chr1-7663604-G-A. GRCh37 (hg19) VCF-style: chr1-7723664-G-A.
Other names: c.967G>A, p.Asp323Asn (NM_001349608.2, NM_001349612.2); c.1057G>A, p.Asp353Asn (NM_001349609.2, NM_001349610.2, NM_001410737.1); c.985G>A, p.Asp329Asn (NM_001410738.1); short protein forms D323N, D329N, D353N.
Identifiers: ClinVar variation 4529844 (VCV004529844.1).

ClinVar aggregate classification (germline): Uncertain significance (1 of 4 stars; one submission).

gnomAD v4.1: 3 of 1,614,088 alleles (0.00019%); highest among the groups gnomAD compares: Non-Finnish European, 0.00025%; no homozygotes.

Submission:

GeneDx
Classification: Uncertain significance. Last evaluated: 2025-05-12. Review status: criteria provided, single submitter. Criteria: GeneDx Variant Classification Process June 2021. Collection method: clinical testing. Allele origin: germline. Affected: yes.
Comment: Not observed at significant frequency in large population cohorts (gnomAD); In silico analysis suggests that this missense variant does not alter protein structure/function; Has not been previously published as pathogenic or benign to our knowledge